The following is an entry in ClinVar:

ClinVar aggregate classification (germline): Uncertain significance (1 of 4 stars; one submission).

Conditions:
Hypertrophic cardiomyopathy. Also called: HYPERTROPHIC MYOCARDIOPATHY. Identifiers: Orphanet 217569, MedGen C0007194, MeSH D002312, MONDO:0005045, HP:0001639.

Submission:

Labcorp Genetics (formerly Invitae), Labcorp
Classification: Uncertain significance for Hypertrophic cardiomyopathy. Last evaluated: 2022-10-01. Review status: criteria provided, single submitter. Criteria: Invitae Variant Classification Sherloc (09022015). Collection method: clinical testing. Allele origin: germline.
Comment: In summary, the available evidence is currently insufficient to determine the role of this variant in disease. Therefore, it has been classified as a Variant of Uncertain Significance. Advanced modeling of protein sequence and biophysical properties (such as structural, functional, and spatial information, amino acid conservation, physicochemical variation, residue mobility, and thermodynamic stability) performed at Invitae indicates that this missense variant is expected to disrupt MYH7 protein function. ClinVar contains an entry for this variant (Variation ID: 1469676). This variant has not been reported in the literature in individuals affected with MYH7-related conditions. This variant is not present in population databases (gnomAD no frequency). This sequence change replaces lysine, which is basic and polar, with threonine, which is neutral and polar, at codon 744 of the MYH7 protein (p.Lys744Thr).

NM_000257.4(MYH7):c.2231A>C (p.Lys744Thr)

Gene: MYH7 (myosin heavy chain 7; minus strand). Cytogenetic location: 14q11.2.
Variant type: single nucleotide variant.
Coding change: c.2231A>C on transcript NM_000257.4 (MANE Select); coding-DNA position 2231, A replaced by C.
Protein change: p.Lys744Thr; replaces lysine 744 with threonine.
Molecular consequence: missense variant.
Genome position (GRCh38, 1-based): chr14:23,425,750, T>G on the plus strand (A>C on the coding strand, the complement: MYH7 is on the minus strand). VCF-style: chr14-23425750-T-G. GRCh37 (hg19) VCF-style: chr14-23894959-T-G.
Other names: short protein forms K744T.
Identifiers: ClinVar variation 1469676 (VCV001469676.6), dbSNP rs2138668083, ClinGen allele CA389048865.